The following is an entry in ClinVar:

ClinVar aggregate classification (germline): not provided (0 of 4 stars; one submission).

Allele frequency attached by ClinVar (database versions not stated): 1000 Genomes Project 30x 0.00219; 1000 Genomes Project 0.00260; TOPMed 0.00599; gnomAD 0.00600 and 0.00615; gnomAD exomes 0.00654 and 0.00930; ExAC 0.00664; ESP Exome Variant Server 0.00738.
gnomAD v4.1: 14,379 of 1,614,198 alleles (0.89%); highest among the groups gnomAD compares: Non-Finnish European, 1.1%; 72 homozygotes.

Submission:

ITMI
No classification provided. Condition: AllHighlyPenetrant. Last evaluated: 2013-09-19. Review status: no classification provided. Collection method: reference population. Allele origin: germline.
Comment: Please see associated publication for description of ethnicities

Literature cited by the submitters: PubMed 24728327.

NM_017709.4(TENT5C):c.895G>A (p.Glu299Lys)

Gene: TENT5C (terminal nucleotidyltransferase 5C; plus strand). Cytogenetic location: 1p12.
Variant type: single nucleotide variant.
Coding change: c.895G>A on transcript NM_017709.4 (MANE Select); coding-DNA position 895, G replaced by A.
Protein change: p.Glu299Lys; replaces glutamic acid 299 with lysine.
Molecular consequence: missense variant.
Genome position (GRCh38, 1-based): chr1:117,623,763, G>A. VCF-style: chr1-117623763-G-A. GRCh37 (hg19) VCF-style: chr1-118166385-G-A.
Other names: short protein forms E299K.
Identifiers: ClinVar variation 134235 (VCV000134235.1), dbSNP rs145471785, ClinGen allele CA159221.